The following is an entry in ClinVar:

NM_001271.4(CHD2):c.3929T>G (p.Leu1310Arg)

Gene: CHD2 (chromodomain helicase DNA binding protein 2; plus strand). Cytogenetic location: 15q26.1.
Variant type: single nucleotide variant.
Coding change: c.3929T>G on transcript NM_001271.4 (MANE Select); coding-DNA position 3929, T replaced by G.
Protein change: p.Leu1310Arg; replaces leucine 1310 with arginine.
Molecular consequence: missense variant.
Genome position (GRCh38, 1-based): chr15:92,998,542, T>G. VCF-style: chr15-92998542-T-G. GRCh37 (hg19) VCF-style: chr15-93541772-T-G.
Other names: short protein forms L1310R.
Identifiers: ClinVar variation 4868875 (VCV004868875.1).
Genomic context (GRCh38, chr15:92,998,542, plus strand): 5'-TTCCTTTCTTGTTGAAGATTCTGCCGGTGGAGACAGATAAAAAGCCTCAGGGGAAGCAGC[T>G]ACAGACCCGAGCGGATTACTTGTTGAAGCTGCTCAGAAAGGGTCTGGAGAAGAAGGGGGC-3'
Protein context (NP_001262.3, residues 1300-1320): ETDKKPQGKQ[Leu1310Arg]QTRADYLLKL

ClinVar aggregate classification (germline): Likely pathogenic (1 of 4 stars; one submission).

Conditions:
Inborn genetic diseases. Identifiers: MedGen C0950123, MeSH D030342.

Submission:

Ambry Genetics
Classification: Likely pathogenic for Inborn genetic diseases. Last evaluated: 2026-03-31. Review status: criteria provided, single submitter. Criteria: Ambry Variant Classification Scheme 2023. Collection method: clinical testing. Allele origin: germline.
Comment: The c.3929T>G (p.L1310R) alteration is located in exon 31 (coding exon 30) of the CHD2 gene. This alteration results from a T to G substitution at nucleotide position 3929, causing the leucine (L) at amino acid position 1310 to be replaced by an arginine (R). This variant was not reported in population-based cohorts in the Genome Aggregation Database (gnomAD). This amino acid position is highly conserved in available vertebrate species. This missense variant is located in a region that has a low rate of benign missense variation (Lek, 2016; Firth, 2009). This alteration is predicted to be deleterious by in silico analysis. Based on the available evidence, this alteration is classified as likely pathogenic.